The following is an entry in ClinVar:

NM_018417.6(ADCY10):c.1664A>G (p.Tyr555Cys)

Gene: ADCY10 (adenylate cyclase 10; minus strand). Cytogenetic location: 1q24.2.
Variant type: single nucleotide variant.
Coding change: c.1664A>G on transcript NM_018417.6 (MANE Select); coding-DNA position 1664, A replaced by G.
Protein change: p.Tyr555Cys; replaces tyrosine 555 with cysteine.
Molecular consequence: missense variant.
Genome position (GRCh38, 1-based): chr1:167,861,016, T>C on the plus strand (A>G on the coding strand, the complement: ADCY10 is on the minus strand). VCF-style: chr1-167861016-T-C. GRCh37 (hg19) VCF-style: chr1-167830254-T-C.
Other names: p.Tyr555Cys; c.1205A>G, p.Tyr402Cys (NM_001167749.3); c.1388A>G, p.Tyr463Cys (NM_001297772.2); short protein forms Y402C, Y555C, Y463C.
Identifiers: ClinVar variation 2055207 (VCV002055207.5), dbSNP rs140663029, ClinGen allele CA1227868.

ClinVar aggregate classification (germline): Uncertain significance. Review status: criteria provided, multiple submitters, no conflicts (2 of 4 stars). 2 submissions from 2 submitters: Uncertain significance (2). Last evaluated 2025-06-12.

Allele frequency attached by ClinVar (database versions not stated): gnomAD exomes 0.00005; ExAC 0.00020; ESP Exome Variant Server 0.00038; gnomAD 0.00056; TOPMed 0.00057; 1000 Genomes Project 30x 0.00078; 1000 Genomes Project 0.00080.
gnomAD v4.1: 167 of 1,614,196 alleles (0.01%); highest among the groups gnomAD compares: African/African-American, 0.19%; no homozygotes.

Submissions (2):

Labcorp Genetics (formerly Invitae), Labcorp
Classification: Uncertain significance. Last evaluated: 2025-06-12. Review status: criteria provided, single submitter. Criteria: Invitae Variant Classification Sherloc (09022015). Collection method: clinical testing. Allele origin: germline.
Comment: This sequence change replaces tyrosine, which is neutral and polar, with cysteine, which is neutral and slightly polar, at codon 555 of the ADCY10 protein (p.Tyr555Cys). This variant is present in population databases (rs140663029, gnomAD 0.2%), and has an allele count higher than expected for a pathogenic variant. This variant has not been reported in the literature in individuals affected with ADCY10-related conditions. ClinVar contains an entry for this variant (Variation ID: 2055207). An algorithm developed to predict the effect of missense changes on protein structure and function (PolyPhen-2) suggests that this variant is likely to be disruptive. In summary, the available evidence is currently insufficient to determine the role of this variant in disease. Therefore, it has been classified as a Variant of Uncertain Significance.

Mayo Clinic Laboratories, Mayo Clinic
Classification: Uncertain significance. Last evaluated: 2023-06-09. Review status: criteria provided, single submitter. Criteria: ACMG Guidelines, 2015. Collection method: clinical testing. Allele origin: germline. Observed: 1 variant allele.